The following is an entry in ClinVar:

ClinVar aggregate classification (germline): Benign. Review status: criteria provided, multiple submitters, no conflicts (2 of 4 stars). 2 submissions from 2 submitters: Benign (2). Last evaluated 2018-06-16.

Allele frequency attached by ClinVar (database versions not stated): TOPMed 0.02639; 1000 Genomes Project 0.04153; 1000 Genomes Project 30x 0.04060.
gnomAD v4.1: 9,319 of 1,546,298 alleles (0.6%); highest among the groups gnomAD compares: African/African-American, 7.2%; 306 homozygotes.

Submissions (2):

GeneDx
Classification: Benign. Last evaluated: 2018-06-16. Review status: criteria provided, single submitter. Criteria: GeneDx Variant Classification (06012015). Collection method: clinical testing. Allele origin: germline. Affected: yes.
Comment: This variant is considered likely benign or benign based on one or more of the following criteria: it is a conservative change, it occurs at a poorly conserved position in the protein, it is predicted to be benign by multiple in silico algorithms, and/or has population frequency not consistent with disease.

Breakthrough Genomics
Classification: Benign. Review status: criteria provided, single submitter. Criteria: ACMG Guidelines, 2015. Collection method: not provided. Allele origin: germline. Inheritance: Autosomal recessive inheritance. Affected: yes.

NM_001384474.1(LOXHD1):c.883+58C>G

Gene: LOXHD1 (lipoxygenase homology PLAT domains 1; minus strand). Cytogenetic location: 18q21.1.
Variant type: single nucleotide variant.
Coding change: c.883+58C>G on transcript NM_001384474.1 (MANE Select); 58 bases into the intron after coding-DNA position 883, C replaced by G.
Molecular consequence: intron variant.
Genome position (GRCh38, 1-based): chr18:46,604,048, G>C on the plus strand (C>G on the coding strand, the complement: LOXHD1 is on the minus strand). VCF-style: chr18-46604048-G-C. GRCh37 (hg19) VCF-style: chr18-44184011-G-C.
Other names: c.883+58C>G (NM_144612.7).
Identifiers: ClinVar variation 684120 (VCV000684120.2), dbSNP rs9958924, ClinGen allele CA299806218.
Genomic context (GRCh38, chr18:46,604,048, plus strand): 5'-GTCTGCAGACCCAGCTGGCTCCTGTTTGATCACAGGCCTCCAGCCCCACAGATGCCAACA[G>C]CGACCCTTAGGCAGAAAGTGAAATACCCAAAAGAGCCTCCCCTTTCTTCAAATCTACCTG-3'